The following is an entry in ClinVar:

NM_001122681.2(SH3BP2):c.1514C>G (p.Ser505Cys)

Gene: SH3BP2 (SH3 domain binding protein 2; plus strand). Cytogenetic location: 4p16.3.
Variant type: single nucleotide variant.
Coding change: c.1514C>G on transcript NM_001122681.2 (MANE Select); coding-DNA position 1514, C replaced by G.
Protein change: p.Ser505Cys; replaces serine 505 with cysteine.
Molecular consequence: missense variant.
Genome position (GRCh38, 1-based): chr4:2,833,015, C>G. VCF-style: chr4-2833015-C-G. GRCh37 (hg19) VCF-style: chr4-2834742-C-G.
Other names: c.1514C>G, p.Ser505Cys (LRG_1334t1, NM_003023.4); c.1598C>G, p.Ser533Cys (LRG_1334t2, NM_001145855.2); c.1685C>G, p.Ser562Cys (NM_001145856.2); short protein forms S505C, S533C, S562C.
Identifiers: ClinVar variation 348593 (VCV000348593.21), dbSNP rs144577122, ClinGen allele CA2819599.

ClinVar aggregate classification (germline): Conflicting classifications of pathogenicity. Review status: criteria provided, conflicting classifications (1 of 4 stars). 5 submissions from 5 submitters: Uncertain significance (1); Benign (2); Likely benign (2). Last evaluated 2026-01-24.

Conditions:
Fibrous dysplasia of jaw (CRBM). Also called: Cherubism. Identifiers: Orphanet 184, MedGen C0008029, MONDO:0007315, OMIM 118400.

Allele frequency attached by ClinVar (database versions not stated): 1000 Genomes Project 30x 0.00219; 1000 Genomes Project 0.00220; gnomAD 0.00277 and 0.00299; ESP Exome Variant Server 0.00292; TOPMed 0.00323.
gnomAD v4.1: 875 of 1,614,250 alleles (0.054%); highest among the groups gnomAD compares: African/African-American, 0.93%; no homozygotes.

Submissions (6):

Labcorp Genetics (formerly Invitae), Labcorp
Classification: Benign for Fibrous dysplasia of jaw. Last evaluated: 2026-01-24. Review status: criteria provided, single submitter. Criteria: Invitae Variant Classification Sherloc (09022015). Collection method: clinical testing. Allele origin: germline.

Women's Health and Genetics/Laboratory Corporation of America, LabCorp
Classification: Likely benign. Last evaluated: 2026-01-23. Review status: criteria provided, single submitter. Criteria: LabCorp Variant Classification Summary - May 2015. Collection method: clinical testing. Allele origin: germline.

Blueprint Genetics
Classification: Likely benign. Last evaluated: 2024-05-02. Review status: criteria provided, single submitter. Criteria: ACMG Guidelines, 2015. Collection method: clinical testing. Allele origin: germline.

Center for Genomics, Ann and Robert H. Lurie Children's Hospital of Chicago
Classification: Uncertain significance for Fibrous dysplasia of jaw. Last evaluated: 2021-03-30. Review status: criteria provided, single submitter. Criteria: ACMG Guidelines, 2015. Collection method: clinical testing. Allele origin: germline.
Comment: SH3BP2 NM_003023 exon 12 p.Ser505Cys (c.1514C>G): This variant has not been reported in the literature but is present in 0.8% (194/24030) of African alleles, including 1 homozygote in the Genome Aggregation Database. This variant is present in ClinVar (Variation ID:348593). Evolutionary conservation and computational predictive tools for this variant are unclear. In summary, data on this variant is insufficient for disease classification. Therefore, the clinical significance of this variant is uncertain.

Illumina Laboratory Services, Illumina
Classification: Benign for Fibrous dysplasia of jaw. Last evaluated: 2018-01-13. Review status: criteria provided, single submitter. Criteria: ICSL Variant Classification Criteria 13 December 2019. Collection method: clinical testing. Allele origin: germline.
Comment: This variant was observed in the ICSL laboratory as part of a predisposition screen in an ostensibly healthy population. It had not been previously curated by ICSL or reported in the Human Gene Mutation Database (HGMD: prior to June 1st, 2018), and was therefore a candidate for classification through an automated scoring system. Utilizing variant allele frequency, disease prevalence and penetrance estimates, and inheritance mode, an automated score was calculated to assess if this variant is too frequent to cause the disease. Based on the score and internal cut-off values, a variant classified as benign is not then subjected to further curation. The score for this variant resulted in a classification of benign for this disease.

Dr. Peter K. Rogan Lab, Western University
No classification provided (evidence only). Condition: Malignant tumor of urinary bladder. Review status: no classification provided. Collection method: in vitro. Allele origin: not applicable. Functional consequence: retained intron. Not counted in ClinVar's aggregate classification.